The following is an entry in ClinVar:

ClinVar aggregate classification (germline): Pathogenic (1 of 4 stars; one submission).

Allele frequency attached by ClinVar (database versions not stated): gnomAD exomes below 0.00001; TOPMed below 0.00001; ExAC 0.00001; gnomAD 0.00001.

Submission:

Labcorp Genetics (formerly Invitae), Labcorp
Classification: Pathogenic. Last evaluated: 2025-04-19. Review status: criteria provided, single submitter. Criteria: Invitae Variant Classification Sherloc (09022015). Collection method: clinical testing. Allele origin: germline.
Comment: This sequence change creates a premature translational stop signal (p.Arg481Glyfs*25) in the C1S gene. While this is not anticipated to result in nonsense mediated decay, it is expected to disrupt the last 208 amino acid(s) of the C1S protein. This variant is present in population databases (rs782751698, gnomAD 0.007%). This variant has not been reported in the literature in individuals affected with C1S-related conditions. ClinVar contains an entry for this variant (Variation ID: 1384223). This variant disrupts a region of the C1S protein in which other variant(s) (p.Glu597*) have been determined to be pathogenic (PMID: 9973493, 19155518). This suggests that this is a clinically significant region of the protein, and that variants that disrupt it are likely to be disease-causing. For these reasons, this variant has been classified as Pathogenic.

Literature cited by the submitters: PubMed 9973493; PubMed 19155518.

NM_001734.5(C1S):c.1441_1442del (p.Arg481fs)

Gene: C1S (complement C1s; plus strand). Cytogenetic location: 12p13.31.
Variant type: Deletion.
Coding change: c.1441_1442del on transcript NM_001734.5 (MANE Select); coding-DNA positions 1441 to 1442, 2 bases deleted (AG; older notation c.1441_1442delAG).
Protein change: p.Arg481fs; shifts the reading frame from arginine 481.
Molecular consequence: frameshift variant.
Genome position (GRCh38, 1-based): chr12:7,070,025-7,070,026, AG deleted. VCF-style (leftmost placement, unchanged base first): chr12-7070024-CAG-C. GRCh37 (hg19) VCF-style: chr12-7177328-CAG-C.
Other names: c.940_941del, p.Arg314fs (NM_001346850.2); c.1441_1442del, p.Arg481fs (NM_201442.4); short protein forms R481fs, R314fs.
Identifiers: ClinVar variation 1384223 (VCV001384223.6), dbSNP rs782751698, ClinGen allele CA6423788.
Genomic context (GRCh38, chr12:7,070,024, plus strand): 5'-TGGTGGAGCGCTCATTAATGAGTACTGGGTGCTGACGGCTGCTCATGTTGTGGAGGGAAA[CAG>C]GGAGCCAACAATGTATGTTGGGTCCACCTCAGTGCAGACCTCACGGCTGGCAAAATCCAA-3'